The following is an entry in ClinVar:

ClinVar aggregate classification (germline): Benign/Likely benign. Review status: criteria provided, multiple submitters, no conflicts (2 of 4 stars). 7 submissions from 7 submitters: Benign (1); Likely benign (3). 3 of the submissions do not count toward it. Last evaluated 2026-01-28.

Conditions:
INPP5E-related disorder. Also called: INPP5E-related condition.
Joubert syndrome. Also called: JOUBERT-BOLTSHAUSER SYNDROME; Familial aplasia of the vermis. Identifiers: Orphanet 475, MedGen C5979921, MONDO:0018772.

Allele frequency attached by ClinVar (database versions not stated): gnomAD exomes 0.00010; 1000 Genomes Project 0.00040; 1000 Genomes Project 30x 0.00062; gnomAD 0.00128; TOPMed 0.00135; ESP Exome Variant Server 0.00154.
gnomAD v4.1: 333 of 1,614,022 alleles (0.021%); highest among the groups gnomAD compares: African/African-American, 0.4%; no homozygotes.

Submissions (7):

Labcorp Genetics (formerly Invitae), Labcorp
Classification: Benign for Joubert syndrome. Last evaluated: 2026-01-28. Review status: criteria provided, single submitter. Criteria: Invitae Variant Classification Sherloc (09022015). Collection method: clinical testing. Allele origin: germline.

Mayo Clinic Laboratories, Mayo Clinic
Classification: Likely benign. Last evaluated: 2025-09-18. Review status: criteria provided, single submitter. Criteria: ACMG Guidelines, 2015. Collection method: clinical testing. Allele origin: germline. Observed: 1 variant allele.
Comment: BP4, BP7

Blueprint Genetics
Classification: Likely benign. Last evaluated: 2024-10-09. Review status: criteria provided, single submitter. Criteria: ACMG Guidelines, 2015. Collection method: clinical testing. Allele origin: germline.

GeneDx
Classification: Likely benign. Last evaluated: 2016-05-09. Review status: criteria provided, single submitter. Criteria: GeneDx Variant Classification (06012015). Collection method: clinical testing. Allele origin: germline. Affected: yes.
Comment: This variant is considered likely benign or benign based on one or more of the following criteria: it is a conservative change, it occurs at a poorly conserved position in the protein, it is predicted to be benign by multiple in silico algorithms, and/or has population frequency not consistent with disease.

PreventionGenetics, part of Exact Sciences
Classification: Likely benign for INPP5E-related condition. Last evaluated: 2021-05-26. Review status: no assertion criteria provided. Collection method: clinical testing. Allele origin: germline. Not counted in ClinVar's aggregate classification.
Comment: This variant is classified as likely benign based on ACMG/AMP sequence variant interpretation guidelines (Richards et al. 2015 PMID: 25741868, with internal and published modifications).

Clinical Genetics DNA and cytogenetics Diagnostics Lab, Erasmus MC, Erasmus Medical Center
Classification: Likely benign. Review status: no assertion criteria provided. Collection method: clinical testing. Allele origin: germline. Affected: yes. Study: VKGL Data-share Consensus. Not counted in ClinVar's aggregate classification.

Clinical Genetics, Academic Medical Center
Classification: Likely benign. Review status: no assertion criteria provided. Collection method: clinical testing. Allele origin: germline. Affected: yes. Study: VKGL Data-share Consensus. Not counted in ClinVar's aggregate classification.

NM_019892.6(INPP5E):c.1875G>A (p.Glu625=)

Gene: INPP5E (inositol polyphosphate-5-phosphatase E; minus strand). Cytogenetic location: 9q34.3.
Variant type: single nucleotide variant.
Coding change: c.1875G>A on transcript NM_019892.6 (MANE Select); coding-DNA position 1875, G replaced by A.
Protein change: p.Glu625=; no amino-acid change (glutamic acid 625 retained).
Molecular consequence: synonymous variant.
Genome position (GRCh38, 1-based): chr9:136,429,735, C>T on the plus strand (G>A on the coding strand, the complement: INPP5E is on the minus strand). VCF-style: chr9-136429735-C-T. GRCh37 (hg19) VCF-style: chr9-139324187-C-T.
Other names: p.Glu625=; c.1872G>A, p.Glu624= (NM_001318502.2); c.1875G>A (NM_019892.5).
Identifiers: ClinVar variation 385900 (VCV000385900.19), dbSNP rs148539728, ClinGen allele CA5336629.